The following is an entry in ClinVar:

ClinVar aggregate classification (germline): Conflicting classifications of pathogenicity. Review status: criteria provided, conflicting classifications (1 of 4 stars). 7 submissions from 5 submitters: Uncertain significance (3); Likely benign (4). Last evaluated 2025-06-15.

Conditions:
Cardiovascular phenotype. Identifiers: MedGen CN230736.
Lethal acantholytic epidermolysis bullosa (EBLA). Identifiers: Orphanet 158687, MedGen C1864826, MONDO:0012323, OMIM 609638.
Woolly hair-skin fragility syndrome (WHSF). Identifiers: Orphanet 293165, MedGen C1843292, MONDO:0957307, OMIM 620415.
Cardiomyopathy (CMYO). Also called: Cardiomyopathies. Identifiers: Orphanet 167848, MedGen C0878544, MONDO:0004994, HP:0001638. Inheritance: Various modes of inheritance.
Arrhythmogenic right ventricular dysplasia 8 (ARVD8). Also called: Arrhythmogenic Right Ventricular Dysplasia/Cardiomyopathy 8; ARRHYTHMOGENIC RIGHT VENTRICULAR DYSPLASIA, FAMILIAL, 8; ARRHYTHMOGENIC RIGHT VENTRICULAR CARDIOMYOPATHY 8. Identifiers: MedGen C1843896, MONDO:0011831, OMIM 607450.
Arrhythmogenic cardiomyopathy with wooly hair and keratoderma. Also called: Arrhythmogenic cardiomyopathy with woolly hair and keratoderma; PALMOPLANTAR KERATODERMA WITH LEFT VENTRICULAR CARDIOMYOPATHY AND WOOLLY HAIR; Carvajal syndrome; Dilated cardiomyopathy with woolly hair and keratoderma. Identifiers: Orphanet 65282, MedGen C1854063, MONDO:0011581, OMIM 605676.

Allele frequency attached by ClinVar (database versions not stated): gnomAD exomes below 0.00001 and 0.00001; ExAC 0.00001; TOPMed 0.00001.
gnomAD v4.1: 13 of 1,613,230 alleles (0.00081%); highest among the groups gnomAD compares: East Asian, 0.0022%; no homozygotes.

Submissions (7):

Labcorp Genetics (formerly Invitae), Labcorp
Classification: Likely benign for Arrhythmogenic cardiomyopathy with wooly hair and keratoderma; Arrhythmogenic right ventricular dysplasia 8. Last evaluated: 2025-06-15. Review status: criteria provided, single submitter. Criteria: Invitae Variant Classification Sherloc (09022015). Collection method: clinical testing. Allele origin: germline.

All of Us Research Program, National Institutes of Health
Classification: Likely benign for Arrhythmogenic cardiomyopathy with wooly hair and keratoderma. Last evaluated: 2023-10-02. Review status: criteria provided, single submitter. Criteria: ACMG Guidelines, 2015. Collection method: clinical testing. Allele origin: germline. Inheritance: Autosomal dominant inheritance. Observed: 2 variant alleles, 2 heterozygotes.
Comment: This study involves interpretation of variants in research participants for the purpose of population health screening. Participant phenotype was not available at the time of variant classification. Additional details can be found in publication PMID: 35346344, PMCID: PMC8962531

Ambry Genetics
Classification: Likely benign for Cardiovascular phenotype. Last evaluated: 2021-12-10. Review status: criteria provided, single submitter. Criteria: Ambry Variant Classification Scheme 2023. Collection method: clinical testing. Allele origin: germline.

Color Diagnostics, LLC DBA Color Health
Classification: Likely benign for Cardiomyopathy. Last evaluated: 2021-01-26. Review status: criteria provided, single submitter. Criteria: ACMG Guidelines, 2015. Collection method: clinical testing. Allele origin: germline.

Illumina Laboratory Services, Illumina
Classification: Uncertain significance for Lethal acantholytic epidermolysis bullosa. Last evaluated: 2018-01-12. Review status: criteria provided, single submitter. Criteria: ICSL Variant Classification Criteria 13 December 2019. Collection method: clinical testing. Allele origin: germline.

Illumina Laboratory Services, Illumina
Classification: Uncertain significance for Arrhythmogenic right ventricular dysplasia 8. Last evaluated: 2018-01-12. Review status: criteria provided, single submitter. Criteria: ICSL Variant Classification Criteria 13 December 2019. Collection method: clinical testing. Allele origin: germline.

Illumina Laboratory Services, Illumina
Classification: Uncertain significance for Arrhythmogenic cardiomyopathy with wooly hair and keratoderma. Last evaluated: 2018-01-12. Review status: criteria provided, single submitter. Criteria: ICSL Variant Classification Criteria 13 December 2019. Collection method: clinical testing. Allele origin: germline.

NM_004415.4(DSP):c.5391G>A (p.Arg1797=)

Gene: DSP (desmoplakin; plus strand). Cytogenetic location: 6p24.3.
Variant type: single nucleotide variant.
Coding change: c.5391G>A on transcript NM_004415.4 (MANE Select); coding-DNA position 5391, G replaced by A.
Protein change: p.Arg1797=; no amino-acid change (arginine 1797 retained).
Molecular consequence: synonymous variant.
Genome position (GRCh38, 1-based): chr6:7,582,653, G>A. VCF-style: chr6-7582653-G-A. GRCh37 (hg19) VCF-style: chr6-7582886-G-A.
Other names: c.3594G>A, p.Arg1198= (NM_001008844.3); c.4062G>A, p.Arg1354= (NM_001319034.2).
Identifiers: ClinVar variation 911092 (VCV000911092.17), dbSNP rs778745098, ClinGen allele CA044935.
Genomic context (GRCh38, chr6:7,582,653, plus strand): 5'-TATGATTCAAAACATTATTTTTTCCCATTTCTTTCTTCTTCAATTCCAGGCATCTAATAG[G>A]ATTCAGGAATCAAAGAATCAGTGTACTCAGGTGGTACAGGAAAGAGAGAGCCTTCTGGTG-3'
Protein context (NP_004406.2, residues 1787-1807): FQKQALEASN[Arg1797=]IQESKNQCTQ